The following is an entry in ClinVar:

ClinVar aggregate classification (germline): Uncertain significance (1 of 4 stars; one submission).

Conditions:
SIM1-related disorder. Also called: SIM1-related disorders; SIM1-related condition.

Submission:

PreventionGenetics, part of Exact Sciences
Classification: Uncertain significance for SIM1-related condition. Last evaluated: 2026-03-18. Review status: criteria provided, single submitter. Criteria: ACMG Guidelines, 2015. Collection method: clinical testing. Allele origin: germline.
Comment: The SIM1 c.1687A>G variant is predicted to result in the amino acid substitution p.Lys563Glu. To our knowledge, this variant has not been reported in the literature or in a large population database (gnomAD), indicating this variant is rare. At this time, the clinical significance of this variant is uncertain due to the absence of conclusive functional and genetic evidence.

NM_005068.3(SIM1):c.1687A>G (p.Lys563Glu)

Gene: SIM1 (SIM bHLH transcription factor 1; minus strand). Cytogenetic location: 6q16.3.
Variant type: single nucleotide variant.
Coding change: c.1687A>G on transcript NM_005068.3 (MANE Select); coding-DNA position 1687, A replaced by G.
Protein change: p.Lys563Glu; replaces lysine 563 with glutamic acid.
Molecular consequence: missense variant.
Genome position (GRCh38, 1-based): chr6:100,390,975, T>C on the plus strand (A>G on the coding strand, the complement: SIM1 is on the minus strand). VCF-style: chr6-100390975-T-C. GRCh37 (hg19) VCF-style: chr6-100838851-T-C.
Other names: c.1687A>G, p.Lys563Glu (NM_001374769.1); short protein forms K563E.
Identifiers: ClinVar variation 4988314 (VCV004988314.1).